The following is an entry in ClinVar:

ClinVar aggregate classification (germline): Conflicting classifications of pathogenicity. Review status: criteria provided, conflicting classifications (1 of 4 stars). 5 submissions from 5 submitters: Pathogenic (1); Uncertain significance (2). 2 of the submissions do not count toward it. Last evaluated 2025-02-01.

Conditions:
Charcot-Marie-Tooth disease type 2. Also called: Charcot-Marie-Tooth type 2. Identifiers: Orphanet 64746, MedGen C0270914, MONDO:0018993.
Charcot-Marie-Tooth disease. Also called: Charcot-Marie-Tooth Neuropathy; Charcot-Marie-Tooth Hereditary Neuropathy. Identifiers: Orphanet 166, MedGen C0007959, MONDO:0015626.
Charcot-Marie-Tooth disease type 2A2. Also called: CHARCOT-MARIE-TOOTH DISEASE, AXONAL, AUTOSOMAL DOMINANT, TYPE 2A2A; CHARCOT-MARIE-TOOTH DISEASE, AXONAL, TYPE 2A2; CHARCOT-MARIE-TOOTH DISEASE, NEURONAL, TYPE 2A2; Charcot-Marie-Tooth Neuropathy Type 2A2; HEREDITARY MOTOR AND SENSORY NEUROPATHY IIA2; HMSN IIA2. Identifiers: Orphanet 99947, MedGen C4721887, MONDO:0012231, OMIM 609260.

Submissions (5):

Labcorp Genetics (formerly Invitae), Labcorp
Classification: Pathogenic for Charcot-Marie-Tooth disease type 2. Last evaluated: 2025-02-01. Review status: criteria provided, single submitter. Criteria: Invitae Variant Classification Sherloc (09022015). Collection method: clinical testing. Allele origin: germline.
Comment: This sequence change replaces arginine, which is basic and polar, with leucine, which is neutral and non-polar, at codon 104 of the MFN2 protein (p.Arg104Leu). This variant also falls at the last nucleotide of exon 4, which is part of the consensus splice site for this exon. This variant is not present in population databases (gnomAD no frequency). This missense change has been observed in individuals with Charcot-Marie-Tooth disease (PMID: 22492563; internal data). ClinVar contains an entry for this variant (Variation ID: 214651). Invitae Evidence Modeling of protein sequence and biophysical properties (such as structural, functional, and spatial information, amino acid conservation, physicochemical variation, residue mobility, and thermodynamic stability) indicates that this missense variant is expected to disrupt MFN2 protein function with a positive predictive value of 95%. Variants that disrupt the consensus splice site are a relatively common cause of aberrant splicing (PMID: 17576681, 9536098). This variant disrupts the p.Arg104 amino acid residue in MFN2. Other variant(s) that disrupt this residue have been determined to be pathogenic (PMID: 18425620, 26307494). This suggests that this residue is clinically significant, and that variants that disrupt this residue are likely to be disease-causing. For these reasons, this variant has been classified as Pathogenic.

Athena Diagnostics
Classification: Uncertain significance. Last evaluated: 2018-05-17. Review status: criteria provided, single submitter. Criteria: Athena Diagnostics Criteria. Collection method: clinical testing. Allele origin: germline.

Eurofins Ntd Llc (ga)
Classification: Uncertain significance. Last evaluated: 2017-04-07. Review status: criteria provided, single submitter. Criteria: EGL Classification Definitions 2015. Collection method: clinical testing. Allele origin: germline. Observed: 1 variant allele, 1 heterozygote.

Solve-RD Consortium
Classification: Likely pathogenic for Charcot-Marie-Tooth disease type 2A2. Last evaluated: 2022-06-01. Review status: no assertion criteria provided. Collection method: provider interpretation. Allele origin: inherited. Affected: yes. Not counted in ClinVar's aggregate classification.
Comment: Variant confirmed as disease-causing by referring clinical team

Variant identified during reanalysis of unsolved cases by the Solve-RD project. The Solve-RD project has received funding from the European Union’s Horizon 2020 research and innovation programme under grant agreement No 779257.

Inherited Neuropathy Consortium
Classification: Uncertain significance for Charcot-Marie-Tooth disease. Review status: no assertion criteria provided. Collection method: literature only. Allele origin: germline. Affected: yes. Not counted in ClinVar's aggregate classification.

Literature cited by the submitters: PubMed 22492563 (cited by 3 submitters); PubMed 17576681 (cited by Labcorp Genetics (formerly Invitae), Labcorp); PubMed 9536098 (cited by Labcorp Genetics (formerly Invitae), Labcorp); PubMed 18425620 (cited by Labcorp Genetics (formerly Invitae), Labcorp); PubMed 26307494 (cited by Labcorp Genetics (formerly Invitae), Labcorp); PubMed 28660751 (cited by Athena Diagnostics); PubMed 39825153 (cited by Solve-RD Consortium).

NM_014874.4(MFN2):c.311G>T (p.Arg104Leu)

Gene: MFN2 (mitofusin 2; plus strand). Cytogenetic location: 1p36.22.
Variant type: single nucleotide variant.
Coding change: c.311G>T on transcript NM_014874.4 (MANE Select); coding-DNA position 311, G replaced by T.
Protein change: p.Arg104Leu; replaces arginine 104 with leucine.
Molecular consequence: missense variant.
Genome position (GRCh38, 1-based): chr1:11,992,690, G>T. VCF-style: chr1-11992690-G-T. GRCh37 (hg19) VCF-style: chr1-12052747-G-T.
Other names: c.311G>T, p.Arg104Leu (NM_001127660.2); short protein forms R104L.
Identifiers: ClinVar variation 214651 (VCV000214651.12), dbSNP rs863224068, ClinGen allele CA320635.